The following is an entry in ClinVar:

NM_001127208.3(TET2):c.386A>G (p.Gln129Arg)

Genes: TET2 (tet methylcytosine dioxygenase 2; plus strand), TET2-AS1 (TET2 antisense RNA 1; minus strand). Cytogenetic location: 4q24.
Variant type: single nucleotide variant.
Coding change: c.386A>G on transcript NM_001127208.3 (MANE Select); coding-DNA position 386, A replaced by G.
Protein change: p.Gln129Arg; replaces glutamine 129 with arginine.
Molecular consequence: missense variant.
Genome position (GRCh38, 1-based): chr4:105,234,328, A>G. VCF-style: chr4-105234328-A-G. GRCh37 (hg19) VCF-style: chr4-106155485-A-G.
Other names: c.386A>G, p.Gln129Arg (NM_017628.4); short protein forms Q129R.
Identifiers: ClinVar variation 4843491 (VCV004843491.1).
Genomic context (GRCh38, chr4:105,234,328, plus strand): 5'-TCAAGAAATTGAAACAAGACCAAAAGGCTAATGGAGAAAGACGTAACTTCGGGGTAAGCC[A>G]AGAAAGAAATCCAGGTGAAAGCAGTCAACCAAATGTCTCCGATTTGAGTGATAAGAAAGA-3'
Protein context (NP_001120680.1, residues 119-139): NGERRNFGVS[Gln129Arg]ERNPGESSQP

ClinVar aggregate classification (germline): Uncertain significance (1 of 4 stars; one submission).

Submission:

Ambry Genetics
Classification: Uncertain significance. Last evaluated: 2025-12-23. Review status: criteria provided, single submitter. Criteria: Ambry Variant Classification Scheme 2023. Collection method: clinical testing. Allele origin: germline.
Comment: The p.Q129R variant (also known as c.386A>G), located in coding exon 1 of the TET2 gene, results from an A to G substitution at nucleotide position 386. The glutamine at codon 129 is replaced by arginine, an amino acid with highly similar properties. This amino acid position is conserved. In addition, this alteration is predicted to be tolerated by in silico analysis. Based on the available evidence, the clinical significance of this variant remains unclear.